The following is an entry in ClinVar:

ClinVar aggregate classification (germline): Conflicting classifications of pathogenicity. Review status: criteria provided, conflicting classifications (1 of 4 stars). 2 submissions from 2 submitters: Uncertain significance (1); Likely benign (1). Last evaluated 2025-11-05.

Conditions:
PAX3-related disorder. Also called: PAX3-related condition.
Inborn genetic diseases. Identifiers: MedGen C0950123, MeSH D030342.

gnomAD v4.1: 5 of 1,584,282 alleles (0.00032%); highest among the groups gnomAD compares: Admixed American, 0.0072%; no homozygotes.

Submissions (2):

Ambry Genetics
Classification: Likely benign for Inborn genetic diseases. Last evaluated: 2025-11-05. Review status: criteria provided, single submitter. Criteria: Ambry Variant Classification Scheme 2023. Collection method: clinical testing. Allele origin: germline.

PreventionGenetics, part of Exact Sciences
Classification: Uncertain significance for PAX3-related condition. Last evaluated: 2024-10-10. Review status: criteria provided, single submitter. Criteria: ACMG Guidelines, 2015. Collection method: clinical testing. Allele origin: germline.
Comment: The PAX3 c.1175T>C variant is predicted to result in the amino acid substitution p.Val392Ala. To our knowledge, this variant has not been reported in the literature. This variant is reported in 0.0069% of alleles in individuals of Latino descent in gnomAD. At this time, the clinical significance of this variant is uncertain due to the absence of conclusive functional and genetic evidence.

NM_181458.4(PAX3):c.1175T>C (p.Val392Ala)

Gene: PAX3 (paired box 3; minus strand). Cytogenetic location: 2q36.1.
Variant type: single nucleotide variant.
Coding change: c.1175T>C on transcript NM_181458.4 (MANE Select); coding-DNA position 1175, T replaced by C.
Protein change: p.Val392Ala; replaces valine 392 with alanine.
Molecular consequence: missense variant. On other transcripts: intron variant (2).
Genome position (GRCh38, 1-based): chr2:222,202,189, A>G on the plus strand (T>C on the coding strand, the complement: PAX3 is on the minus strand). VCF-style: chr2-222202189-A-G. GRCh37 (hg19) VCF-style: chr2-223066908-A-G.
Other names: c.1172T>C, p.Val391Ala (NM_001127366.3); c.1175T>C, p.Val392Ala (NM_181457.4, NM_181459.4); c.1174-747T>C (NM_181460.4, NM_181461.4); short protein forms V392A, V391A.
Identifiers: ClinVar variation 4626929 (VCV004626929.2).